The following is an entry in ClinVar:

NM_020547.3(AMHR2):c.118_119del (p.Gly40fs)

Gene: AMHR2 (anti-Mullerian hormone receptor type 2; plus strand). Cytogenetic location: 12q13.13.
Variant type: Deletion.
Coding change: c.118_119del on transcript NM_020547.3 (MANE Select); coding-DNA positions 118 to 119, 2 bases deleted (GG; older notation c.118_119delGG).
Protein change: p.Gly40fs; shifts the reading frame from glycine 40.
Molecular consequence: frameshift variant.
Genome position (GRCh38, 1-based): chr12:53,424,356-53,424,357, GG deleted; deleting any 2 consecutive bases within chr12:53,424,355-53,424,357 gives the same sequence; the c. name uses the placement nearest the transcript's 3' end. VCF-style (leftmost placement, unchanged base first): chr12-53424354-TGG-T. GRCh37 (hg19) VCF-style: chr12-53818138-TGG-T.
Other names: c.118_119del, p.Gly40fs (NM_001164690.2, NM_001164691.2); short protein forms G40fs.
Identifiers: ClinVar variation 2969058 (VCV002969058.3), dbSNP rs2498847212, ClinGen allele CA2740092389.

ClinVar aggregate classification (germline): Pathogenic (1 of 4 stars; one submission).

Submission:

Labcorp Genetics (formerly Invitae), Labcorp
Classification: Pathogenic. Last evaluated: 2024-09-14. Review status: criteria provided, single submitter. Criteria: Invitae Variant Classification Sherloc (09022015). Collection method: clinical testing. Allele origin: germline.
Comment: This sequence change creates a premature translational stop signal (p.Gly40Argfs*43) in the AMHR2 gene. It is expected to result in an absent or disrupted protein product. Loss-of-function variants in AMHR2 are known to be pathogenic (PMID: 8872466, 28094762, 28528332). This variant is not present in population databases (gnomAD no frequency). This variant has not been reported in the literature in individuals affected with AMHR2-related conditions. Algorithms developed to predict the effect of sequence changes on RNA splicing suggest that this variant may disrupt the consensus splice site. For these reasons, this variant has been classified as Pathogenic.

Literature cited by the submitters: PubMed 8872466; PubMed 28094762; PubMed 28528332.